The following is an entry in ClinVar:

NM_024675.4(PALB2):c.615A>G (p.Glu205=)

Gene: PALB2 (partner and localizer of BRCA2; minus strand). Cytogenetic location: 16p12.2.
Variant type: single nucleotide variant.
Coding change: c.615A>G on transcript NM_024675.4 (MANE Select); coding-DNA position 615, A replaced by G.
Protein change: p.Glu205=; no amino-acid change (glutamic acid 205 retained).
Molecular consequence: synonymous variant.
Genome position (GRCh38, 1-based): chr16:23,635,931, T>C on the plus strand (A>G on the coding strand, the complement: PALB2 is on the minus strand). VCF-style: chr16-23635931-T-C. GRCh37 (hg19) VCF-style: chr16-23647252-T-C.
Identifiers: ClinVar variation 461012 (VCV000461012.20), dbSNP rs748128739, ClinGen allele CA7963774.

ClinVar aggregate classification (germline): Benign/Likely benign. Review status: criteria provided, multiple submitters, no conflicts (2 of 4 stars). 5 submissions from 5 submitters: Benign (1); Likely benign (4). Last evaluated 2025-12-03.

Conditions:
Breast-ovarian cancer, familial, susceptibility to, 5 (BROVCA5). Identifiers: MedGen C5830615, MONDO:0957530, OMIM 620442.
Pancreatic cancer, susceptibility to, 3. Identifiers: Orphanet 1333, MedGen C3150547, MONDO:0013236, OMIM 613348.
Fanconi anemia complementation group N. Also called: PALB2-Related Fanconi Anemia. Identifiers: Orphanet 84, MedGen C1835817, MONDO:0012565, OMIM 610832. Disease mechanism: loss of function.
Hereditary cancer-predisposing syndrome. Also called: Hereditary neoplastic syndrome; Neoplastic Syndromes, Hereditary; Tumor predisposition; Hereditary Cancer Syndrome. Identifiers: Orphanet 140162, MedGen C0027672, MeSH D009386, MONDO:0015356.
Familial cancer of breast. Also called: BREAST CANCER, FAMILIAL; hereditary breast carcinoma; Hereditary breast cancer. Identifiers: Orphanet 227535, MedGen C0346153, MONDO:0016419, OMIM 114480. Disease mechanism: loss of function.

Allele frequency attached by ClinVar (database versions not stated): gnomAD exomes below 0.00001 and 0.00001; gnomAD 0.00001; ExAC 0.00002.
gnomAD v4.1: 4 of 1,614,066 alleles (0.00025%); highest among the groups gnomAD compares: Non-Finnish European, 0.00034%; no homozygotes.

Submissions (5):

Labcorp Genetics (formerly Invitae), Labcorp
Classification: Likely benign for Familial cancer of breast. Last evaluated: 2025-12-03. Review status: criteria provided, single submitter. Criteria: Invitae Variant Classification Sherloc (09022015). Collection method: clinical testing. Allele origin: germline.

Myriad Genetics, Inc.
Classification: Benign for Familial cancer of breast. Last evaluated: 2025-01-10. Review status: criteria provided, single submitter. Criteria: Myriad Autosomal Dominant, Autosomal Recessive and X-Linked Classification Criteria (2023). Collection method: clinical testing. Allele origin: unknown.
Comment: This variant is considered benign. This variant is a silent/synonymous amino acid change and it is not expected to impact splicing.

Department of Pathology and Laboratory Medicine, Sinai Health System
Classification: Likely benign for Fanconi anemia complementation group N; Pancreatic cancer, susceptibility to, 3; Breast-ovarian cancer, familial, susceptibility to, 5. Last evaluated: 2023-01-16. Review status: criteria provided, single submitter. Criteria: ACMG Guidelines, 2015. Collection method: clinical testing. Allele origin: germline. Affected: yes.

Ambry Genetics
Classification: Likely benign for Hereditary cancer-predisposing syndrome. Last evaluated: 2018-11-21. Review status: criteria provided, single submitter. Criteria: Ambry Variant Classification Scheme 2023. Collection method: clinical testing. Allele origin: germline.

Color Diagnostics, LLC DBA Color Health
Classification: Likely benign for Hereditary cancer-predisposing syndrome. Last evaluated: 2017-06-22. Review status: criteria provided, single submitter. Criteria: ACMG Guidelines, 2015. Collection method: clinical testing. Allele origin: germline.